The following is an entry in ClinVar:

NM_000264.5(PTCH1):c.241G>C (p.Ala81Pro)

Gene: PTCH1 (patched 1; minus strand). Cytogenetic location: 9q22.32.
Variant type: single nucleotide variant.
Coding change: c.241G>C on transcript NM_000264.5 (MANE Select); coding-DNA position 241, G replaced by C.
Protein change: p.Ala81Pro; replaces alanine 81 with proline.
Molecular consequence: missense variant. On other transcripts: 5 prime UTR variant (4), non-coding transcript variant (1).
Genome position (GRCh38, 1-based): chr9:95,506,560, C>G on the plus strand (G>C on the coding strand, the complement: PTCH1 is on the minus strand). VCF-style: chr9-95506560-C-G. GRCh37 (hg19) VCF-style: chr9-98268842-C-G.
Other names: c.43G>C, p.Ala15Pro (NM_001083602.3, NM_001354919.2); c.238G>C, p.Ala80Pro (NM_001083603.3); c.-213G>C (NM_001083604.3, NM_001083605.3, NM_001083606.3 and 1 more transcripts); c.241G>C, p.Ala81Pro (NM_001354918.2); short protein forms A15P, A81P, A80P.
Identifiers: ClinVar variation 1791003 (VCV001791003.2), dbSNP rs2118880380, ClinGen allele CA374120590.

ClinVar aggregate classification (germline): Uncertain significance (1 of 4 stars; one submission).

Conditions:
Hereditary cancer-predisposing syndrome. Also called: Hereditary Cancer Syndrome; Hereditary neoplastic syndrome; Tumor predisposition; Neoplastic Syndromes, Hereditary. Identifiers: Orphanet 140162, MedGen C0027672, MeSH D009386, MONDO:0015356.

Allele frequency attached by ClinVar (database versions not stated): gnomAD exomes below 0.00001.
gnomAD v4.1: 1 of 1,613,124 alleles (0.000062%); highest among the groups gnomAD compares: Non-Finnish European, 0.000085%; no homozygotes.

Submission:

Ambry Genetics
Classification: Uncertain significance for Hereditary cancer-predisposing syndrome. Last evaluated: 2020-03-27. Review status: criteria provided, single submitter. Criteria: Ambry Variant Classification Scheme 2023. Collection method: clinical testing. Allele origin: germline.
Comment: The p.A81P variant (also known as c.241G>C), located in coding exon 2 of the PTCH1 gene, results from a G to C substitution at nucleotide position 241. The alanine at codon 81 is replaced by proline, an amino acid with highly similar properties. This amino acid position is highly conserved in available vertebrate species. In addition, this alteration is predicted to be deleterious by in silico analysis. Since supporting evidence is limited at this time, the clinical significance of this alteration remains unclear.